The following is an entry in ClinVar:

ClinVar aggregate classification (germline): Conflicting classifications of pathogenicity. Review status: criteria provided, conflicting classifications (1 of 4 stars). 5 submissions from 5 submitters: Uncertain significance (3); Likely benign (2). Last evaluated 2026-01-19.

Conditions:
Succinate-semialdehyde dehydrogenase deficiency (SSADHD). Also called: Succinic Semialdehyde Dehydrogenase Deficiency; 4-HYDROXYBUTYRIC ACIDURIA; GABA METABOLIC DEFECT; SSADH DEFICIENCY. Identifiers: Orphanet 22, MedGen C0268631, MONDO:0010083, OMIM 271980.

Allele frequency attached by ClinVar (database versions not stated): TOPMed 0.00087; ExAC below 0.00001; 1000 Genomes Project 0.00060; 1000 Genomes Project 30x 0.00062; gnomAD 0.00068 and 0.00076.
gnomAD v4.1: 208 of 1,533,102 alleles (0.014%); highest among the groups gnomAD compares: African/African-American, 0.26%; 1 homozygote.

Submissions (5):

Labcorp Genetics (formerly Invitae), Labcorp
Classification: Likely benign for Succinate-semialdehyde dehydrogenase deficiency. Last evaluated: 2026-01-19. Review status: criteria provided, single submitter. Criteria: Invitae Variant Classification Sherloc (09022015). Collection method: clinical testing. Allele origin: germline.

GeneDx
Classification: Uncertain significance. Last evaluated: 2025-12-01. Review status: criteria provided, single submitter. Criteria: GeneDx Variant Classification Process June 2021. Collection method: clinical testing. Allele origin: germline. Affected: yes.
Comment: In silico analysis suggests that this missense variant does not alter protein structure/function; Has not been previously published as pathogenic or benign to our knowledge

Revvity Omics, Revvity
Classification: Uncertain significance for Succinate-semialdehyde dehydrogenase deficiency. Last evaluated: 2019-08-23. Review status: criteria provided, single submitter. Criteria: ACMG Guidelines, 2015. Collection method: clinical testing. Allele origin: germline.

Fulgent Genetics
Classification: Uncertain significance for Succinate-semialdehyde dehydrogenase deficiency. Last evaluated: 2018-10-31. Review status: criteria provided, single submitter. Criteria: ACMG Guidelines, 2015. Collection method: clinical testing. Allele origin: unknown.

Illumina Laboratory Services, Illumina
Classification: Likely benign for Succinate-semialdehyde dehydrogenase deficiency. Last evaluated: 2018-01-13. Review status: criteria provided, single submitter. Criteria: ICSL Variant Classification Criteria 13 December 2019. Collection method: clinical testing. Allele origin: germline.
Comment: This variant was observed in the ICSL laboratory as part of a predisposition screen in an ostensibly healthy population. It had not been previously curated by ICSL or reported in the Human Gene Mutation Database (HGMD: prior to June 1st, 2018), and was therefore a candidate for classification through an automated scoring system. Utilizing variant allele frequency, disease prevalence and penetrance estimates, and inheritance mode, an automated score was calculated to assess if this variant is too frequent to cause the disease. Based on the score and internal cut-off values, a variant classified as likely benign is not then subjected to further curation. The score for this variant resulted in a classification of likely benign for this disease.

NM_001080.3(ALDH5A1):c.293C>G (p.Ala98Gly)

Genes: ALDH5A1 (aldehyde dehydrogenase 5 family member A1; plus strand), LOC129995978 (ATAC-STARR-seq lymphoblastoid silent region 16989; plus strand). Cytogenetic location: 6p22.3.
Variant type: single nucleotide variant.
Coding change: c.293C>G on transcript NM_001080.3 (MANE Select); coding-DNA position 293, C replaced by G.
Protein change: p.Ala98Gly; replaces alanine 98 with glycine.
Molecular consequence: missense variant.
Genome position (GRCh38, 1-based): chr6:24,495,289, C>G. VCF-style: chr6-24495289-C-G. GRCh37 (hg19) VCF-style: chr6-24495517-C-G.
Other names: c.293C>G, p.Ala98Gly (NM_001368954.1, NM_170740.1); short protein forms A98G.
Identifiers: ClinVar variation 356128 (VCV000356128.26), dbSNP rs535825137, ClinGen allele CA3656581.
Genomic context (GRCh38, chr6:24,495,289, plus strand): 5'-TGCAAGACCCGGCCAGCGGCGCCGCTCTGGGCATGGTAGCCGACTGCGGGGTGCGAGAGG[C>G]CCGCGCCGCCGTGCGCGCTGCCTACGAGGCTTTCTGCCGCTGGAGGGAGGTCTCCGCCAA-3'
Protein context (NP_001071.1, residues 88-108): GMVADCGVRE[Ala98Gly]RAAVRAAYEA